The following is an entry in ClinVar:

NM_003482.4(KMT2D):c.13414G>T (p.Val4472Leu)

Gene: KMT2D (lysine methyltransferase 2D; minus strand). Cytogenetic location: 12q13.12.
Variant type: single nucleotide variant.
Coding change: c.13414G>T on transcript NM_003482.4 (MANE Select); coding-DNA position 13414, G replaced by T.
Protein change: p.Val4472Leu; replaces valine 4472 with leucine.
Molecular consequence: missense variant.
Genome position (GRCh38, 1-based): chr12:49,031,291, C>A on the plus strand (G>T on the coding strand, the complement: KMT2D is on the minus strand). VCF-style: chr12-49031291-C-A. GRCh37 (hg19) VCF-style: chr12-49425074-C-A.
Other names: short protein forms V4472L.
Identifiers: ClinVar variation 1467142 (VCV001467142.8), dbSNP rs2120418458, ClinGen allele CA384704504.
Genomic context (GRCh38, chr12:49,031,291, plus strand): 5'-CAATGTGCCCGTTGATCTCAGCTCGCAGCCCCTCGGACCCCCGCCCAGTGCTGAGTTGCA[C>A]ATTCTTTGCCCGGAGTAGCTTCTGCAAGAGCAGATGCCCAGCTTCTGAGCGAGGGCCTGC-3'
Protein context (NP_003473.3, residues 4462-4482): LLQKLLRAKN[Val4472Leu]QLSTGRGSEG

ClinVar aggregate classification (germline): Uncertain significance (1 of 4 stars; one submission).

Conditions:
Kabuki syndrome. Also called: NIIKAWA-KUROKI SYNDROME; Kabuki make-up syndrome. Identifiers: Orphanet 2322, MedGen C0796004, MONDO:0016512.

Submission:

Labcorp Genetics (formerly Invitae), Labcorp
Classification: Uncertain significance for Kabuki syndrome. Last evaluated: 2021-04-14. Review status: criteria provided, single submitter. Criteria: Invitae Variant Classification Sherloc (09022015). Collection method: clinical testing. Allele origin: germline.
Comment: In summary, the available evidence is currently insufficient to determine the role of this variant in disease. Therefore, it has been classified as a Variant of Uncertain Significance. This variant is not present in population databases (ExAC no frequency). This sequence change replaces valine with leucine at codon 4472 of the KMT2D protein (p.Val4472Leu). The valine residue is weakly conserved and there is a small physicochemical difference between valine and leucine. This variant has not been reported in the literature in individuals with KMT2D-related conditions. Advanced modeling of protein sequence and biophysical properties (such as structural, functional, and spatial information, amino acid conservation, physicochemical variation, residue mobility, and thermodynamic stability) performed at Invitae indicates that this missense variant is not expected to disrupt KMT2D protein function.